The following is an entry in ClinVar:

ClinVar aggregate classification (germline): Benign/Likely benign. Review status: criteria provided, multiple submitters, no conflicts (2 of 4 stars). 6 submissions from 6 submitters: Benign (1); Likely benign (5). Last evaluated 2026-02-18.

Conditions:
TNNI3-related disorder. Also called: TNNI3-related condition; TNNI3-related disorders.
Cardiovascular phenotype. Identifiers: MedGen CN230736.
Cardiomyopathy (CMYO). Also called: Cardiomyopathies. Identifiers: Orphanet 167848, MedGen C0878544, MONDO:0004994, HP:0001638. Inheritance: Various modes of inheritance.
Hypertrophic cardiomyopathy. Also called: HYPERTROPHIC MYOCARDIOPATHY. Identifiers: Orphanet 217569, MedGen C0007194, MeSH D002312, MONDO:0005045, HP:0001639.

Allele frequency attached by ClinVar (database versions not stated): gnomAD 0.00012 and 0.00013; TOPMed 0.00018; 1000 Genomes Project 30x 0.00078; 1000 Genomes Project 0.00080.

Submissions (6):

PreventionGenetics, part of Exact Sciences
Classification: Likely benign for TNNI3-related condition. Last evaluated: 2026-02-18. Review status: criteria provided, single submitter. Criteria: ACMG Guidelines, 2015. Collection method: clinical testing. Allele origin: germline.
Comment: This variant is classified as likely benign based on ACMG/AMP sequence variant interpretation guidelines (Richards et al. 2015 PMID: 25741868, with internal and published modifications).

Labcorp Genetics (formerly Invitae), Labcorp
Classification: Likely benign for Hypertrophic cardiomyopathy. Last evaluated: 2026-01-06. Review status: criteria provided, single submitter. Criteria: Invitae Variant Classification Sherloc (09022015). Collection method: clinical testing. Allele origin: germline.

All of Us Research Program, National Institutes of Health
Classification: Likely benign for Hypertrophic cardiomyopathy. Last evaluated: 2023-12-13. Review status: criteria provided, single submitter. Criteria: ACMG Guidelines, 2015. Collection method: clinical testing. Allele origin: germline. Inheritance: Autosomal dominant inheritance. Observed: 14 variant alleles, 14 heterozygotes.
Comment: This study involves interpretation of variants in research participants for the purpose of population health screening. Participant phenotype was not available at the time of variant classification. Additional details can be found in publication PMID: 35346344, PMCID: PMC8962531

Ambry Genetics
Classification: Likely benign for Cardiovascular phenotype. Last evaluated: 2019-08-27. Review status: criteria provided, single submitter. Criteria: Ambry Variant Classification Scheme 2023. Collection method: clinical testing. Allele origin: germline.

Color Diagnostics, LLC DBA Color Health
Classification: Likely benign for Cardiomyopathy. Last evaluated: 2018-10-22. Review status: criteria provided, single submitter. Criteria: ACMG Guidelines, 2015. Collection method: clinical testing. Allele origin: germline.

GeneDx
Classification: Benign. Last evaluated: 2015-03-03. Review status: criteria provided, single submitter. Criteria: GeneDx Variant Classification Process June 2021. Collection method: clinical testing. Allele origin: germline. Affected: yes.

NM_000363.5(TNNI3):c.207C>G (p.Arg69=)

Gene: TNNI3 (troponin I3, cardiac type; minus strand). Cytogenetic location: 19q13.42.
Variant type: single nucleotide variant.
Coding change: c.207C>G on transcript NM_000363.5 (MANE Select); coding-DNA position 207, C replaced by G.
Protein change: p.Arg69=; no amino-acid change (arginine 69 retained).
Molecular consequence: synonymous variant.
Genome position (GRCh38, 1-based): chr19:55,156,276, G>C on the plus strand (C>G on the coding strand, the complement: TNNI3 is on the minus strand). VCF-style: chr19-55156276-G-C. GRCh37 (hg19) VCF-style: chr19-55667644-G-C.
Other names: c.207C>G (LRG_432t1).
Identifiers: ClinVar variation 454404 (VCV000454404.19), dbSNP rs201422579, ClinGen allele CA050655.